The following is an entry in ClinVar:

ClinVar aggregate classification (germline): Uncertain significance (1 of 4 stars; one submission).

Conditions:
Leukodystrophy, hypomyelinating, 25 (HLD25). Identifiers: MedGen C5830275, MONDO:0859378, OMIM 620243.

Submission:

Institute of Human Genetics, University of Goettingen
Classification: Uncertain significance for Leukodystrophy, hypomyelinating, 25. Last evaluated: 2024-09-13. Review status: criteria provided, single submitter. Criteria: ACMG Guidelines, 2015. Collection method: clinical testing. Allele origin: germline. Inheritance: Autosomal dominant inheritance. Observed: 1 heterozygote.
Comment: The variant c.809+2T>C (p.?) in intron 7 of the TMEM163 gene is not found in the gnomAD database and affects a highly conserved nucleotide. It is predicted to have an effect on the nearest splice site, but as of yet, truncating variants in the TMEM163 gene are not a known mechanism of disease. Also in silico prediction algorithms predict that the variant removes <10% of protein. ACMG criteria used for classification: PVS1_mod, PM2_sup.

NM_030923.5(TMEM163):c.809+2T>C

Gene: TMEM163 (transmembrane protein 163; minus strand). Cytogenetic location: 2q21.3.
Variant type: single nucleotide variant.
Coding change: c.809+2T>C on transcript NM_030923.5 (MANE Select); the canonical splice donor site of the intron after coding-DNA position 809, T replaced by C.
Molecular consequence: splice donor variant.
Genome position (GRCh38, 1-based): chr2:134,458,030, A>G on the plus strand (T>C on the coding strand, the complement: TMEM163 is on the minus strand). VCF-style: chr2-134458030-A-G. GRCh37 (hg19) VCF-style: chr2-135215601-A-G.
Identifiers: ClinVar variation 3340428 (VCV003340428.1).